The following is an entry in ClinVar:

NM_178170.3(NEK8):c.1418-1G>A

Gene: NEK8 (NIMA related kinase 8; plus strand). Cytogenetic location: 17q11.2.
Variant type: single nucleotide variant.
Coding change: c.1418-1G>A on transcript NM_178170.3 (MANE Select); the canonical splice acceptor site of the intron before coding-DNA position 1418, G replaced by A.
Molecular consequence: splice acceptor variant.
Genome position (GRCh38, 1-based): chr17:28,740,462, G>A. VCF-style: chr17-28740462-G-A. GRCh37 (hg19) VCF-style: chr17-27067480-G-A.
Identifiers: ClinVar variation 3382690 (VCV003382690.4).

ClinVar aggregate classification (germline): Pathogenic/Likely pathogenic. Review status: criteria provided, multiple submitters, no conflicts (2 of 4 stars). 2 submissions from 2 submitters: Pathogenic (1); Likely pathogenic (1). Last evaluated 2024-11-09.

Conditions:
Nephronophthisis 9 (NPHP9). Identifiers: Orphanet 655, MedGen C3151188, MONDO:0013444, OMIM 613824.
Renal-hepatic-pancreatic dysplasia 2 (RHPD2). Identifiers: MedGen C3809434, MONDO:0014174, OMIM 615415.

gnomAD v4.1: 9 of 1,614,094 alleles (0.00056%); highest among the groups gnomAD compares: East Asian, 0.02%; no homozygotes.

Submissions (2):

Labcorp Genetics (formerly Invitae), Labcorp
Classification: Likely pathogenic for Nephronophthisis 9. Last evaluated: 2024-11-09. Review status: criteria provided, single submitter. Criteria: Invitae Variant Classification Sherloc (09022015). Collection method: clinical testing. Allele origin: germline.
Comment: This sequence change affects an acceptor splice site in intron 10 of the NEK8 gene. It is expected to disrupt RNA splicing. Variants that disrupt the donor or acceptor splice site typically lead to a loss of protein function (PMID: 16199547), and loss-of-function variants in NEK8 are known to be pathogenic (PMID: 23418306, 26967905). This variant is present in population databases (rs750108245, gnomAD 0.04%). Disruption of this splice site has been observed in individual(s) with autosomal recessive congenital anomalies of the kidney and urinary tract with other structural anomalies (PMID: 28387813). Algorithms developed to predict the effect of sequence changes on RNA splicing suggest that this variant may disrupt the consensus splice site. In summary, the currently available evidence indicates that the variant is pathogenic, but additional data are needed to prove that conclusively. Therefore, this variant has been classified as Likely Pathogenic.

Juno Genomics, Hangzhou Juno Genomics, Inc
Classification: Pathogenic for Nephronophthisis 9; Renal-hepatic-pancreatic dysplasia 2. Review status: criteria provided, single submitter. Criteria: ACMG Guidelines, 2015. Collection method: clinical testing. Allele origin: germline. Affected: yes.
Comment: Absent from controls (or at extremely low frequency if recessive) in Genome Aggregation Database, Exome Sequencing Project, 1000 Genomes Project, or Exome Aggregation Consortium.;Null variant in a gene where loss of function (LOF) is a known mechanism of disease.;For recessive disorders, detected in trans with a pathogenic variant.

Literature cited by the submitters: PubMed 16199547 (cited by Labcorp Genetics (formerly Invitae), Labcorp); PubMed 23418306 (cited by Labcorp Genetics (formerly Invitae), Labcorp); PubMed 26967905 (cited by Labcorp Genetics (formerly Invitae), Labcorp); PubMed 28387813 (cited by Labcorp Genetics (formerly Invitae), Labcorp).